The following is an entry in ClinVar:

NM_000140.5(FECH):c.155A>T (p.His52Leu)

Gene: FECH (ferrochelatase; minus strand). Cytogenetic location: 18q21.31.
Variant type: single nucleotide variant.
Coding change: c.155A>T on transcript NM_000140.5 (MANE Select); coding-DNA position 155, A replaced by T.
Protein change: p.His52Leu; replaces histidine 52 with leucine.
Molecular consequence: missense variant. On other transcripts: 5 prime UTR variant (1).
Genome position (GRCh38, 1-based): chr18:57,580,112, T>A on the plus strand (A>T on the coding strand, the complement: FECH is on the minus strand). VCF-style: chr18-57580112-T-A. GRCh37 (hg19) VCF-style: chr18-55247344-T-A.
Other names: c.155A>T, p.His52Leu (NM_001012515.4, NM_001371094.1, NM_001374778.1); c.-62A>T (NM_001371095.1); short protein forms H52L.
Identifiers: ClinVar variation 1462699 (VCV001462699.8), dbSNP rs1413953115, ClinGen allele CA402538050.

ClinVar aggregate classification (germline): Uncertain significance (1 of 4 stars; one submission).

Submission:

Labcorp Genetics (formerly Invitae), Labcorp
Classification: Uncertain significance. Last evaluated: 2021-06-20. Review status: criteria provided, single submitter. Criteria: Invitae Variant Classification Sherloc (09022015). Collection method: clinical testing. Allele origin: germline.
Comment: This sequence change replaces histidine with leucine at codon 52 of the FECH protein (p.His52Leu). The histidine residue is weakly conserved and there is a moderate physicochemical difference between histidine and leucine. In summary, the available evidence is currently insufficient to determine the role of this variant in disease. Therefore, it has been classified as a Variant of Uncertain Significance. Algorithms developed to predict the effect of missense changes on protein structure and function (SIFT, PolyPhen-2, Align-GVGD) all suggest that this variant is likely to be tolerated, but these predictions have not been confirmed by published functional studies and their clinical significance is uncertain. This variant has not been reported in the literature in individuals with FECH-related conditions. This variant is not present in population databases (ExAC no frequency).